The following is an entry in ClinVar:

NM_005216.5(DDOST):c.1147A>G (p.Thr383Ala)

Gene: DDOST (dolichyl-diphosphooligosaccharide--protein glycosyltransferase non-catalytic subunit; minus strand). Cytogenetic location: 1p36.12.
Variant type: single nucleotide variant.
Coding change: c.1147A>G on transcript NM_005216.5 (MANE Select); coding-DNA position 1147, A replaced by G.
Protein change: p.Thr383Ala; replaces threonine 383 with alanine.
Molecular consequence: missense variant.
Genome position (GRCh38, 1-based): chr1:20,652,644, T>C on the plus strand (A>G on the coding strand, the complement: DDOST is on the minus strand). VCF-style: chr1-20652644-T-C. GRCh37 (hg19) VCF-style: chr1-20979137-T-C.
Other names: short protein forms T383A.
Identifiers: ClinVar variation 4744508 (VCV004744508.1).

ClinVar aggregate classification (germline): Uncertain significance (1 of 4 stars; one submission).

Conditions:
Congenital disorder of glycosylation type Ir (CDG1R). Also called: DDOST-congenital disorder of glycosylation. Identifiers: Orphanet 300536, MedGen C3281084, MONDO:0013789, OMIM 614507.

Submission:

Labcorp Genetics (formerly Invitae), Labcorp
Classification: Uncertain significance for Congenital disorder of glycosylation type Ir. Last evaluated: 2025-09-15. Review status: criteria provided, single submitter. Criteria: Invitae Variant Classification Sherloc (09022015). Collection method: clinical testing. Allele origin: germline.
Comment: This sequence change replaces threonine, which is neutral and polar, with alanine, which is neutral and non-polar, at codon 400 of the DDOST protein (p.Thr400Ala). This variant is not present in population databases (gnomAD no frequency). This variant has not been reported in the literature in individuals affected with DDOST-related conditions. Invitae Evidence Modeling of protein sequence and biophysical properties (such as structural, functional, and spatial information, amino acid conservation, physicochemical variation, residue mobility, and thermodynamic stability) has been performed for this missense variant. However, the output from this modeling did not meet the statistical confidence thresholds required to predict the impact of this variant on DDOST protein function. In summary, the available evidence is currently insufficient to determine the role of this variant in disease. Therefore, it has been classified as a Variant of Uncertain Significance.